The following is an entry in ClinVar:

NM_002474.3(MYH11):c.3191C>T (p.Ala1064Val)

Gene: MYH11 (myosin heavy chain 11; minus strand). Cytogenetic location: 16p13.11.
Variant type: single nucleotide variant.
Coding change: c.3191C>T on transcript NM_002474.3 (MANE Select); coding-DNA position 3191, C replaced by T.
Protein change: p.Ala1064Val; replaces alanine 1064 with valine.
Molecular consequence: missense variant.
Genome position (GRCh38, 1-based): chr16:15,737,551, G>A on the plus strand (C>T on the coding strand, the complement: MYH11 is on the minus strand). VCF-style: chr16-15737551-G-A. GRCh37 (hg19) VCF-style: chr16-15831408-G-A.
Other names: c.3212C>T, p.Ala1071Val (NM_001040113.2, NM_001040114.2); c.3191C>T, p.Ala1064Val (NM_022844.3); short protein forms A1064V, A1071V.
Identifiers: ClinVar variation 4767248 (VCV004767248.1).
Genomic context (GRCh38, chr16:15,737,551, plus strand): 5'-TGCATCTTGAGCTCTGCGATCTGCGCCTGGAGGTCAGCGATCTGCTCGTGGAAGTCGCTG[G>A]CATCACCCTCCAGCTTCCGTTTCAGCTTCTCCAGCTCCTGTCGGCTCTTCTCTTCCTTCT-3'
Protein context (NP_002465.1, residues 1054-1074): EKLKRKLEGD[Ala1064Val]SDFHEQIADL

ClinVar aggregate classification (germline): Uncertain significance (1 of 4 stars; one submission).

Conditions:
Aortic aneurysm, familial thoracic 4 (AAT4). Also called: AORTIC ANEURYSM/AORTIC DISSECTION AND PATENT DUCTUS ARTERIOSUS. Identifiers: MedGen C1851504, MONDO:0007568, OMIM 132900.

Submission:

Labcorp Genetics (formerly Invitae), Labcorp
Classification: Uncertain significance for Aortic aneurysm, familial thoracic 4. Last evaluated: 2025-08-20. Review status: criteria provided, single submitter. Criteria: Invitae Variant Classification Sherloc (09022015). Collection method: clinical testing. Allele origin: germline.
Comment: This sequence change replaces alanine, which is neutral and non-polar, with valine, which is neutral and non-polar, at codon 1071 of the MYH11 protein (p.Ala1071Val). This variant is not present in population databases (gnomAD no frequency). This variant has not been reported in the literature in individuals affected with MYH11-related conditions. Invitae Evidence Modeling of protein sequence and biophysical properties (such as structural, functional, and spatial information, amino acid conservation, physicochemical variation, residue mobility, and thermodynamic stability) indicates that this missense variant is not expected to disrupt MYH11 protein function with a negative predictive value of 95%. In summary, the available evidence is currently insufficient to determine the role of this variant in disease. Therefore, it has been classified as a Variant of Uncertain Significance.